The following is an entry in ClinVar:

ClinVar aggregate classification (germline): Uncertain significance (1 of 4 stars; one submission).

Conditions:
Malignant hyperthermia, susceptibility to, 1 (MHS1). Also called: Anesthesia related hyperthermia; Malignant hyperpyrexia; Fulminating hyperpyrexia; Pharmacogenic myopathy; Malignant hyperthermia suceptibility 1; RYR1-Related Malignant Hyperthermia Susceptibility. Identifiers: Orphanet 423, MedGen C2930980, MONDO:0007783, OMIM 145600.

Submission:

All of Us Research Program, National Institutes of Health
Classification: Uncertain significance for Malignant hyperthermia, susceptibility to, 1. Last evaluated: 2024-06-17. Review status: criteria provided, single submitter. Criteria: ACMG Guidelines, 2015. Collection method: clinical testing. Allele origin: germline. Inheritance: Autosomal dominant inheritance. Observed: 1 variant allele, 1 heterozygote.
Comment: This missense variant replaces phenylalanine with cysteine at codon 3898 of the RYR1 protein. Computational prediction suggests that this variant may have deleterious impact on protein structure and function (internally defined REVEL score threshold >= 0.7, PMID: 27666373). To our knowledge, functional studies have not been reported for this variant. This variant has not been reported in individuals affected with RYR1-related disorders in the literature. This variant has not been identified in the general population by the Genome Aggregation Database (gnomAD). The available evidence is insufficient to determine the role of this variant in disease conclusively. Therefore, this variant is classified as a Variant of Uncertain Significance.

This study involves interpretation of variants in research participants for the purpose of population health screening. Participant phenotype was not available at the time of variant classification. Additional details can be found in publication PMID: 35346344, PMCID: PMC8962531

NM_000540.3(RYR1):c.11693T>G (p.Phe3898Cys)

Gene: RYR1 (ryanodine receptor 1; plus strand). Cytogenetic location: 19q13.2.
Variant type: single nucleotide variant.
Coding change: c.11693T>G on transcript NM_000540.3 (MANE Select); coding-DNA position 11693, T replaced by G.
Protein change: p.Phe3898Cys; replaces phenylalanine 3898 with cysteine.
Molecular consequence: missense variant.
Genome position (GRCh38, 1-based): chr19:38,543,350, T>G. VCF-style: chr19-38543350-T-G. GRCh37 (hg19) VCF-style: chr19-39033990-T-G.
Other names: c.11678T>G, p.Phe3893Cys (NM_001042723.2); short protein forms F3893C, F3898C.
Identifiers: ClinVar variation 3385563 (VCV003385563.1).